The following is an entry in ClinVar:

ClinVar aggregate classification (germline): Likely benign (1 of 4 stars; one submission).

Allele frequency attached by ClinVar (database versions not stated): gnomAD 0.00001; TOPMed 0.00001; gnomAD exomes 0.00005; ExAC 0.00011.

Submission:

CeGaT Center for Human Genetics Tuebingen
Classification: Likely benign. Last evaluated: 2023-03-01. Review status: criteria provided, single submitter. Criteria: CeGaT Center For Human Genetics Tuebingen Variant Classification Criteria Version 2. Collection method: clinical testing. Allele origin: germline. Affected: yes. Observed: 1 variant allele.
Comment: EMC10: BP4, BP7

NM_206538.4(EMC10):c.321G>T (p.Leu107=)

Gene: EMC10 (ER membrane protein complex subunit 10; plus strand). Cytogenetic location: 19q13.33.
Variant type: single nucleotide variant.
Coding change: c.321G>T on transcript NM_206538.4 (MANE Select); coding-DNA position 321, G replaced by T.
Protein change: p.Leu107=; no amino-acid change (leucine 107 retained).
Molecular consequence: synonymous variant.
Genome position (GRCh38, 1-based): chr19:50,480,134, G>T. VCF-style: chr19-50480134-G-T. GRCh37 (hg19) VCF-style: chr19-50983391-G-T.
Other names: c.321G>T, p.Leu107= (NM_175063.6).
Identifiers: ClinVar variation 2650341 (VCV002650341.24), dbSNP rs748954464, ClinGen allele CA9599018.